The following is an entry in ClinVar:

ClinVar aggregate classification (germline): Likely benign. Review status: criteria provided, multiple submitters, no conflicts (2 of 4 stars). 3 submissions from 3 submitters: Likely benign (2). 1 of the submissions does not count toward it. Last evaluated 2025-12-24.

Conditions:
Inborn genetic diseases. Identifiers: MedGen C0950123, MeSH D030342.
KDM1A-related disorder. Also called: KDM1A-related condition.

Allele frequency attached by ClinVar (database versions not stated): TOPMed 0.00002; ESP Exome Variant Server 0.00015; ExAC 0.00002; gnomAD 0.00003; gnomAD exomes 0.00001.
gnomAD v4.1: 21 of 1,614,086 alleles (0.0013%); highest among the groups gnomAD compares: Non-Finnish European, 0.0018%; no homozygotes.

Submissions (3):

Labcorp Genetics (formerly Invitae), Labcorp
Classification: Likely benign. Last evaluated: 2025-12-24. Review status: criteria provided, single submitter. Criteria: Invitae Variant Classification Sherloc (09022015). Collection method: clinical testing. Allele origin: germline.

Ambry Genetics
Classification: Likely benign for Inborn genetic diseases. Last evaluated: 2025-01-04. Review status: criteria provided, single submitter. Criteria: Ambry Variant Classification Scheme 2023. Collection method: clinical testing. Allele origin: germline.

PreventionGenetics, part of Exact Sciences
Classification: Likely benign for KDM1A-related condition. Last evaluated: 2019-09-09. Review status: no assertion criteria provided. Collection method: clinical testing. Allele origin: germline. Not counted in ClinVar's aggregate classification.
Comment: This variant is classified as likely benign based on ACMG/AMP sequence variant interpretation guidelines (Richards et al. 2015 PMID: 25741868, with internal and published modifications).

NM_001009999.3(KDM1A):c.2238G>A (p.Val746=)

Gene: KDM1A (lysine demethylase 1A; plus strand). Cytogenetic location: 1p36.12.
Variant type: single nucleotide variant.
Coding change: c.2238G>A on transcript NM_001009999.3 (MANE Select); coding-DNA position 2238, G replaced by A.
Protein change: p.Val746=; no amino-acid change (valine 746 retained).
Molecular consequence: synonymous variant.
Genome position (GRCh38, 1-based): chr1:23,081,513, G>A. VCF-style: chr1-23081513-G-A. GRCh37 (hg19) VCF-style: chr1-23408006-G-A.
Other names: c.2238G>A (NM_001009999.2); c.2184G>A, p.Val728= (NM_001363654.2); c.2244G>A, p.Val748= (NM_001410762.1); c.2166G>A, p.Val722= (NM_001410763.1, NM_015013.4).
Identifiers: ClinVar variation 2102344 (VCV002102344.7), dbSNP rs375718140, ClinGen allele CA679926.